The following is an entry in ClinVar:

NM_000352.6(ABCC8):c.604A>T (p.Arg202Trp)

Gene: ABCC8 (ATP binding cassette subfamily C member 8; minus strand). Cytogenetic location: 11p15.1.
Variant type: single nucleotide variant.
Coding change: c.604A>T on transcript NM_000352.6 (MANE Select); coding-DNA position 604, A replaced by T.
Protein change: p.Arg202Trp; replaces arginine 202 with tryptophan.
Molecular consequence: missense variant. On other transcripts: non-coding transcript variant (1).
Genome position (GRCh38, 1-based): chr11:17,461,801, T>A on the plus strand (A>T on the coding strand, the complement: ABCC8 is on the minus strand). VCF-style: chr11-17461801-T-A. GRCh37 (hg19) VCF-style: chr11-17483348-T-A.
Other names: c.604A>T (NM_000352.3); c.604A>T, p.Arg202Trp (NM_001287174.3, NM_001351295.2, NM_001351296.2 and 1 more transcripts); short protein forms R202W.
Identifiers: ClinVar variation 991063 (VCV000991063.4), dbSNP rs751446018, ClinGen allele CA5903815.

ClinVar aggregate classification (germline): Uncertain significance. Review status: criteria provided, multiple submitters, no conflicts (2 of 4 stars). 5 submissions from 4 submitters: Uncertain significance (4). 1 of the submissions does not count toward it. Last evaluated 2025-05-08.

Conditions:
Transitory neonatal diabetes mellitus. Also called: Transient neonatal diabetes mellitus. Identifiers: MedGen C0342273, MONDO:0020525, HP:0008255.
Maturity-onset diabetes of the young (MODY). Also called: Maturity onset diabetes mellitus in young. Identifiers: Orphanet 552, MedGen C0342276, MONDO:0018911, HP:0004904.
Hereditary hyperinsulinism.

Allele frequency attached by ClinVar (database versions not stated): ExAC 0.00001; gnomAD exomes 0.00001 and 0.00002; TOPMed 0.00003; gnomAD 0.00004.
gnomAD v4.1: 24 of 1,613,936 alleles (0.0015%); highest among the groups gnomAD compares: African/African-American, 0.0053%; no homozygotes.

Submissions (5):

GeneDx
Classification: Uncertain significance. Last evaluated: 2025-05-08. Review status: criteria provided, single submitter. Criteria: GeneDx Variant Classification Process June 2021. Collection method: clinical testing. Allele origin: germline. Affected: yes.
Comment: In silico analysis supports that this missense variant has a deleterious effect on protein structure/function; Has not been previously published as pathogenic or benign to our knowledge

Labcorp Genetics (formerly Invitae), Labcorp
Classification: Uncertain significance. Last evaluated: 2024-06-30. Review status: criteria provided, single submitter. Criteria: Invitae Variant Classification Sherloc (09022015). Collection method: clinical testing. Allele origin: germline.
Comment: This sequence change replaces arginine, which is basic and polar, with tryptophan, which is neutral and slightly polar, at codon 202 of the ABCC8 protein (p.Arg202Trp). This variant is present in population databases (rs751446018, gnomAD 0.006%). This variant has not been reported in the literature in individuals affected with ABCC8-related conditions. ClinVar contains an entry for this variant (Variation ID: 991063). Advanced modeling of protein sequence and biophysical properties (such as structural, functional, and spatial information, amino acid conservation, physicochemical variation, residue mobility, and thermodynamic stability) has been performed at Invitae for this missense variant, however the output from this modeling did not meet the statistical confidence thresholds required to predict the impact of this variant on ABCC8 protein function. In summary, the available evidence is currently insufficient to determine the role of this variant in disease. Therefore, it has been classified as a Variant of Uncertain Significance.

Clinical Genomics, Uppaluri K&H Personalized Medicine Clinic
Classification: Uncertain significance for Maturity-onset diabetes of the young. Review status: criteria provided, single submitter. Criteria: K & H Uppaluri Personalized Medicine Clinic Variant Classification & Assertion Criteria_Updated V.1. Collection method: research. Allele origin: unknown. Inheritance: Somatic mutation.
Comment: Mutations in ABCC8 gene are associated with both neonatal diabetes mellitus as well as MODY. Patients with this mutation may have a better response to sulfonylureas. However, no sufficient evidence is found to ascertain the role of this particular variant (rs751446018) in MODY yet.

Clinical Genomics, Uppaluri K&H Personalized Medicine Clinic
Classification: Uncertain significance for Transitory neonatal diabetes mellitus. Review status: criteria provided, single submitter. Criteria: K & H Uppaluri Personalized Medicine Clinic Variant Classification & Assertion Criteria_Updated V.1. Collection method: research. Allele origin: unknown. Inheritance: Somatic mutation.
Comment: Mutations in ABCC8 gene are associated with both neonatal diabetes mellitus as well as MODY. Patients with this mutation may have a better response to sulfonylureas. However, no sufficient evidence is found to ascertain the role of this particular variant (rs751446018) in neonatal diabetes yet.

Natera, Inc.
Classification: Uncertain significance for Hereditary hyperinsulinism. Last evaluated: 2020-04-10. Review status: no assertion criteria provided. Collection method: clinical testing. Allele origin: germline. Not counted in ClinVar's aggregate classification.

Literature cited by the submitters: PubMed 16885549 (cited by Clinical Genomics, Uppaluri K&H Personalized Medicine Clinic); PubMed 21989597 (cited by Clinical Genomics, Uppaluri K&H Personalized Medicine Clinic); PubMed 27538677 (cited by Clinical Genomics, Uppaluri K&H Personalized Medicine Clinic); PubMed 18981553 (cited by Clinical Genomics, Uppaluri K&H Personalized Medicine Clinic); PubMed 32027066 (cited by Clinical Genomics, Uppaluri K&H Personalized Medicine Clinic); PubMed 16613899 (cited by Clinical Genomics, Uppaluri K&H Personalized Medicine Clinic); PubMed 18025408 (cited by Clinical Genomics, Uppaluri K&H Personalized Medicine Clinic); PubMed 32792356 (cited by Clinical Genomics, Uppaluri K&H Personalized Medicine Clinic).